The following is an entry in ClinVar:

ClinVar aggregate classification (germline): Uncertain significance (1 of 4 stars; one submission).

Submission:

Women's Health and Genetics/Laboratory Corporation of America, LabCorp
Classification: Uncertain significance. Last evaluated: 2025-09-09. Review status: criteria provided, single submitter. Criteria: LabCorp Variant Classification Summary - May 2015. Collection method: clinical testing. Allele origin: germline.
Comment: Variant summary: PKD1 c.5935T>C (p.Cys1979Arg) results in a non-conservative amino acid change in the encoded protein sequence. Algorithms developed to predict the effect of missense changes on protein structure and function are either unavailable or do not agree on the potential impact of this missense change. The variant was absent in 234710 control chromosomes (gnomAD). The available data on variant occurrences in the general population are insufficient to allow any conclusion about variant significance. To our knowledge, no occurrence of c.5935T>C in individuals affected with PKD1-related conditions and no experimental evidence demonstrating its impact on protein function have been reported. However, a different missense affecting the same amino acid (C1979Y) has been reported in affected (HGMD), supporting a functional importance for this residue. No submitters have cited clinical-significance assessments for this variant to ClinVar. Based on the evidence outlined above, the variant was classified as uncertain significance.

NM_001009944.3(PKD1):c.5935T>C (p.Cys1979Arg)

Gene: PKD1 (polycystin 1, transient receptor potential channel interacting; minus strand). Cytogenetic location: 16p13.3.
Variant type: single nucleotide variant.
Coding change: c.5935T>C on transcript NM_001009944.3 (MANE Select); coding-DNA position 5935, T replaced by C.
Protein change: p.Cys1979Arg; replaces cysteine 1979 with arginine.
Molecular consequence: missense variant.
Genome position (GRCh38, 1-based): chr16:2,109,232, A>G on the plus strand (T>C on the coding strand, the complement: PKD1 is on the minus strand). VCF-style: chr16-2109232-A-G. GRCh37 (hg19) VCF-style: chr16-2159233-A-G.
Other names: c.5935T>C, p.Cys1979Arg (NM_000296.4); short protein forms C1979R.
Identifiers: ClinVar variation 4535643 (VCV004535643.1).